The following is an entry in ClinVar:

NM_001231.5(CASQ1):c.338A>G (p.Lys113Arg)

Gene: CASQ1 (calsequestrin 1; plus strand). Cytogenetic location: 1q23.2.
Variant type: single nucleotide variant.
Coding change: c.338A>G on transcript NM_001231.5 (MANE Select); coding-DNA position 338, A replaced by G.
Protein change: p.Lys113Arg; replaces lysine 113 with arginine.
Molecular consequence: missense variant.
Genome position (GRCh38, 1-based): chr1:160,192,860, A>G. VCF-style: chr1-160192860-A-G. GRCh37 (hg19) VCF-style: chr1-160162650-A-G.
Other names: short protein forms K113R.
Identifiers: ClinVar variation 1394035 (VCV001394035.6), dbSNP rs2101671643, ClinGen allele CA343253184.

ClinVar aggregate classification (germline): Uncertain significance (1 of 4 stars; one submission).

Allele frequency attached by ClinVar (database versions not stated): gnomAD exomes below 0.00001.
gnomAD v4.1: 1 of 1,613,204 alleles (0.000062%); highest among the groups gnomAD compares: Admixed American, 0.0017%; no homozygotes.

Submission:

Labcorp Genetics (formerly Invitae), Labcorp
Classification: Uncertain significance. Last evaluated: 2021-11-19. Review status: criteria provided, single submitter. Criteria: Invitae Variant Classification Sherloc (09022015). Collection method: clinical testing. Allele origin: germline.
Comment: This sequence change replaces lysine, which is basic and polar, with arginine, which is basic and polar, at codon 113 of the CASQ1 protein (p.Lys113Arg). This variant is not present in population databases (gnomAD no frequency). This variant has not been reported in the literature in individuals affected with CASQ1-related conditions. Algorithms developed to predict the effect of missense changes on protein structure and function (SIFT, PolyPhen-2, Align-GVGD) all suggest that this variant is likely to be tolerated. In summary, the available evidence is currently insufficient to determine the role of this variant in disease. Therefore, it has been classified as a Variant of Uncertain Significance.